The following is an entry in ClinVar:

NM_004999.4(MYO6):c.3644T>C (p.Ile1215Thr)

Gene: MYO6 (myosin VI; plus strand). Cytogenetic location: 6q14.1.
Variant type: single nucleotide variant.
Coding change: c.3644T>C on transcript NM_004999.4 (MANE Select); coding-DNA position 3644, T replaced by C.
Protein change: p.Ile1215Thr; replaces isoleucine 1215 with threonine.
Molecular consequence: missense variant. On other transcripts: non-coding transcript variant (1).
Genome position (GRCh38, 1-based): chr6:75,914,267, T>C. VCF-style: chr6-75914267-T-C. GRCh37 (hg19) VCF-style: chr6-76623984-T-C.
Other names: c.3575T>C, p.Ile1192Thr (NM_001300899.2); c.3548T>C, p.Ile1183Thr (NM_001368136.1); c.3605T>C, p.Ile1202Thr (NM_001368137.1); c.3560T>C, p.Ile1187Thr (NM_001368138.1); c.3671T>C, p.Ile1224Thr (NM_001368865.1); c.3644T>C, p.Ile1215Thr (NM_001368866.1); short protein forms I1215T, I1187T, I1202T, I1192T, I1224T, I1183T.
Identifiers: ClinVar variation 505220 (VCV000505220.4), dbSNP rs1554223853, ClinGen allele CA364762468.

ClinVar aggregate classification (germline): Uncertain significance (1 of 4 stars; one submission).

Submission:

Laboratory for Molecular Medicine, Mass General Brigham Personalized Medicine
Classification: Uncertain significance. Last evaluated: 2016-08-04. Review status: criteria provided, single submitter. Criteria: LMM Criteria. Collection method: clinical testing. Allele origin: germline. Observed: 1 variant allele.
Comment: The p.Ile1215Thr variant in MYO6 has not been previously reported in individuals with hearing loss or in large population studies. Computational prediction tool s and conservation analyses do not provide strong support for or against an impa ct to the protein. In summary, the clinical significance of the p.Ile1215Thr var iant is uncertain.